The following is an entry in ClinVar:

NM_017841.4(SDHAF2):c.206G>T (p.Arg69Leu)

Gene: SDHAF2 (succinate dehydrogenase complex assembly factor 2; plus strand). Cytogenetic location: 11q12.2.
Variant type: single nucleotide variant.
Coding change: c.206G>T on transcript NM_017841.4 (MANE Select); coding-DNA position 206, G replaced by T.
Protein change: p.Arg69Leu; replaces arginine 69 with leucine.
Molecular consequence: missense variant.
Genome position (GRCh38, 1-based): chr11:61,437,794, G>T. VCF-style: chr11-61437794-G-T. GRCh37 (hg19) VCF-style: chr11-61205266-G-T.
Other names: short protein forms R69L.
Identifiers: ClinVar variation 845877 (VCV000845877.10), dbSNP rs753474292, ClinGen allele CA380683637.

ClinVar aggregate classification (germline): Uncertain significance. Review status: criteria provided, multiple submitters, no conflicts (2 of 4 stars). 2 submissions from 2 submitters: Uncertain significance (2). Last evaluated 2023-12-02.

Conditions:
Hereditary cancer-predisposing syndrome. Also called: Hereditary Cancer Syndrome; Tumor predisposition; Neoplastic Syndromes, Hereditary; Hereditary neoplastic syndrome. Identifiers: Orphanet 140162, MedGen C0027672, MeSH D009386, MONDO:0015356.
Hereditary pheochromocytoma and paraganglioma. Also called: Hereditary pheochromocytoma-paraganglioma; Hereditary paragangliomas and pheochromocytomas; Hereditary Paraganglioma-Pheochromocytoma Syndromes. Identifiers: Orphanet 29072, MedGen C4274332, MONDO:0017366.

gnomAD v4.1: 2 of 1,614,070 alleles (0.00012%); highest among the groups gnomAD compares: Non-Finnish European, 0.00017%; no homozygotes.

Submissions (2):

Ambry Genetics
Classification: Uncertain significance for Hereditary cancer-predisposing syndrome. Last evaluated: 2023-12-02. Review status: criteria provided, single submitter. Criteria: Ambry Variant Classification Scheme 2023. Collection method: clinical testing. Allele origin: germline.
Comment: The p.R69L variant (also known as c.206G>T), located in coding exon 2 of the SDHAF2 gene, results from a G to T substitution at nucleotide position 206. The arginine at codon 69 is replaced by leucine, an amino acid with dissimilar properties. This amino acid position is conserved. In addition, this alteration is predicted to be deleterious by in silico analysis. Since supporting evidence is limited at this time, the clinical significance of this alteration remains unclear.

Labcorp Genetics (formerly Invitae), Labcorp
Classification: Uncertain significance for Hereditary pheochromocytoma and paraganglioma. Last evaluated: 2019-11-27. Review status: criteria provided, single submitter. Criteria: Invitae Variant Classification Sherloc (09022015). Collection method: clinical testing. Allele origin: germline.
Comment: In summary, the available evidence is currently insufficient to determine the role of this variant in disease. Therefore, it has been classified as a Variant of Uncertain Significance. Algorithms developed to predict the effect of missense changes on protein structure and function (SIFT, PolyPhen-2, Align-GVGD) all suggest that this variant is likely to be disruptive, but these predictions have not been confirmed by published functional studies and their clinical significance is uncertain. This variant has not been reported in the literature in individuals with SDHAF2-related conditions. This variant is not present in population databases (ExAC no frequency). This sequence change replaces arginine with leucine at codon 69 of the SDHAF2 protein (p.Arg69Leu). The arginine residue is highly conserved and there is a moderate physicochemical difference between arginine and leucine.